The following is an entry in ClinVar:

NM_000388.4(CASR):c.1243C>T (p.Arg415Trp)

Gene: CASR (calcium sensing receptor; plus strand). Cytogenetic location: 3q21.1.
Variant type: single nucleotide variant.
Coding change: c.1243C>T on transcript NM_000388.4 (MANE Select); coding-DNA position 1243, C replaced by T.
Protein change: p.Arg415Trp; replaces arginine 415 with tryptophan.
Molecular consequence: missense variant.
Genome position (GRCh38, 1-based): chr3:122,262,278, C>T. VCF-style: chr3-122262278-C-T. GRCh37 (hg19) VCF-style: chr3-121981125-C-T.
Other names: c.1243C>T, p.Arg415Trp (NM_001178065.2); short protein forms R415W.
Identifiers: ClinVar variation 3748119 (VCV003748119.4).

ClinVar aggregate classification (germline): Uncertain significance. Review status: criteria provided, multiple submitters, no conflicts (2 of 4 stars). 2 submissions from 2 submitters: Uncertain significance (2). Last evaluated 2024-11-20.

Conditions:
Autosomal dominant hypocalcemia 1 (HYPOC1). Also called: HYPOCALCEMIA, FAMILIAL. Identifiers: MedGen C3715128, MONDO:0011013, OMIM 601198.
Familial hypocalciuric hypercalcemia (FHH). Also called: Familial benign hypercalcemia. Identifiers: Orphanet 405, MedGen C1809471, MONDO:0018458.
Familial hypocalciuric hypercalcemia 1. Also called: Hypercalcemia, familial benign type 1. Identifiers: Orphanet 405, Orphanet 93372, MedGen C0342637, MONDO:0007791, OMIM 145980.
Neonatal severe primary hyperparathyroidism. Identifiers: Orphanet 417, MedGen C1832615, MONDO:0009397, OMIM 239200.
Epilepsy, idiopathic generalized, susceptibility to, 8. Identifiers: MedGen C2752062, MONDO:0013032, OMIM 612899.

Submissions (2):

Labcorp Genetics (formerly Invitae), Labcorp
Classification: Uncertain significance for Familial hypocalciuric hypercalcemia; Autosomal dominant hypocalcemia 1. Last evaluated: 2024-11-20. Review status: criteria provided, single submitter. Criteria: Invitae Variant Classification Sherloc (09022015). Collection method: clinical testing. Allele origin: germline.
Comment: This sequence change replaces arginine, which is basic and polar, with tryptophan, which is neutral and slightly polar, at codon 415 of the CASR protein (p.Arg415Trp). This variant is not present in population databases (gnomAD no frequency). This variant has not been reported in the literature in individuals affected with CASR-related conditions. An algorithm developed to predict the effect of missense changes on protein structure and function (PolyPhen-2) suggests that this variant is likely to be tolerated. In summary, the available evidence is currently insufficient to determine the role of this variant in disease. Therefore, it has been classified as a Variant of Uncertain Significance.

Juno Genomics, Hangzhou Juno Genomics, Inc
Classification: Uncertain significance for Epilepsy, idiopathic generalized, susceptibility to, 8; Neonatal severe primary hyperparathyroidism; Autosomal dominant hypocalcemia 1; Familial hypocalciuric hypercalcemia 1. Review status: criteria provided, single submitter. Criteria: ACMG Guidelines, 2015. Collection method: clinical testing. Allele origin: germline.
Comment: Missense variant in a gene that has a low rate of benign missense variation.;Multiple lines of computational evidence support a deleterious effect on the gene or gene product.;Absent from controls (or at extremely low frequency if recessive) in Genome Aggregation Database.